The following is an entry in ClinVar:

NM_001365693.1(MGAM):c.2642G>A (p.Arg881His)

Gene: MGAM (maltase-glucoamylase; plus strand). Cytogenetic location: 7q34.
Variant type: single nucleotide variant.
Coding change: c.2642G>A on transcript NM_001365693.1 (MANE Select); coding-DNA position 2642, G replaced by A.
Protein change: p.Arg881His; replaces arginine 881 with histidine.
Molecular consequence: missense variant.
Genome position (GRCh38, 1-based): chr7:142,050,701, G>A. VCF-style: chr7-142050701-G-A. GRCh37 (hg19) VCF-style: chr7-141750501-G-A.
Other names: c.2642G>A, p.Arg881His (NM_004668.3); c.2642G>A (NM_004668.2); short protein forms R881H.
Identifiers: ClinVar variation 3029916 (VCV003029916.3), dbSNP rs749949340, ClinGen allele CA168115051.

ClinVar aggregate classification (germline): Uncertain significance. Review status: criteria provided, single submitter (1 of 4 stars). 2 submissions from 2 submitters: Uncertain significance (1). 1 of the submissions does not count toward it. Last evaluated 2024-10-01.

Conditions:
MGAM-related disorder. Also called: MGAM-related condition.

gnomAD v4.1: 69 of 1,612,872 alleles (0.0043%); highest among the groups gnomAD compares: Middle Eastern, 0.016%; no homozygotes.

Submissions (2):

Ambry Genetics
Classification: Uncertain significance. Last evaluated: 2024-10-01. Review status: criteria provided, single submitter. Criteria: Ambry Variant Classification Scheme 2023. Collection method: clinical testing. Allele origin: germline.

PreventionGenetics, part of Exact Sciences
Classification: Uncertain significance for MGAM-related condition. Last evaluated: 2023-10-18. Review status: no assertion criteria provided. Collection method: clinical testing. Allele origin: germline. Not counted in ClinVar's aggregate classification.
Comment: The MGAM c.2642G>A variant is predicted to result in the amino acid substitution p.Arg881His. To our knowledge, this variant has not been reported in the literature. This variant is reported in 0.015% of alleles in individuals of Latino descent in gnomAD. At this time, the clinical significance of this variant is uncertain due to the absence of conclusive functional and genetic evidence.